The following is an entry in ClinVar:

ClinVar aggregate classification (germline): Uncertain significance. Review status: criteria provided, multiple submitters, no conflicts (2 of 4 stars). 3 submissions from 3 submitters: Uncertain significance (3). Last evaluated 2025-12-08.

Conditions:
Inborn genetic diseases. Identifiers: MedGen C0950123, MeSH D030342.

Submissions (3):

Labcorp Genetics (formerly Invitae), Labcorp
Classification: Uncertain significance. Last evaluated: 2025-12-08. Review status: criteria provided, single submitter. Criteria: Invitae Variant Classification Sherloc (09022015). Collection method: clinical testing. Allele origin: germline.
Comment: This sequence change replaces isoleucine, which is neutral and non-polar, with valine, which is neutral and non-polar, at codon 689 of the COL4A1 protein (p.Ile689Val). This variant is not present in population databases (gnomAD no frequency). This variant has not been reported in the literature in individuals affected with COL4A1-related conditions. ClinVar contains an entry for this variant (Variation ID: 2321357). Invitae Evidence Modeling of protein sequence and biophysical properties (such as structural, functional, and spatial information, amino acid conservation, physicochemical variation, residue mobility, and thermodynamic stability) indicates that this missense variant is not expected to disrupt COL4A1 protein function with a negative predictive value of 95%. In summary, the available evidence is currently insufficient to determine the role of this variant in disease. Therefore, it has been classified as a Variant of Uncertain Significance.

Revvity Omics, Revvity
Classification: Uncertain significance. Last evaluated: 2023-07-11. Review status: criteria provided, single submitter. Criteria: ACMG Guidelines, 2015. Collection method: clinical testing. Allele origin: germline.

Ambry Genetics
Classification: Uncertain significance for Inborn genetic diseases. Last evaluated: 2022-10-27. Review status: criteria provided, single submitter. Criteria: Ambry Variant Classification Scheme 2023. Collection method: clinical testing. Allele origin: germline.

NM_001845.6(COL4A1):c.2065A>G (p.Ile689Val)

Gene: COL4A1 (collagen type IV alpha 1 chain; minus strand). Cytogenetic location: 13q34.
Variant type: single nucleotide variant.
Coding change: c.2065A>G on transcript NM_001845.6 (MANE Select); coding-DNA position 2065, A replaced by G.
Protein change: p.Ile689Val; replaces isoleucine 689 with valine.
Molecular consequence: missense variant.
Genome position (GRCh38, 1-based): chr13:110,183,023, T>C on the plus strand (A>G on the coding strand, the complement: COL4A1 is on the minus strand). VCF-style: chr13-110183023-T-C. GRCh37 (hg19) VCF-style: chr13-110835370-T-C.
Other names: short protein forms I689V.
Identifiers: ClinVar variation 2321357 (VCV002321357.7), dbSNP rs778323040, ClinGen allele CA256262256.